The following is an entry in ClinVar:

NM_004714.3(DYRK1B):c.373-7C>T

Gene: DYRK1B (dual specificity tyrosine phosphorylation regulated kinase 1B; minus strand). Cytogenetic location: 19q13.2.
Variant type: single nucleotide variant.
Coding change: c.373-7C>T on transcript NM_004714.3 (MANE Select); 7 bases into the intron before coding-DNA position 373, C replaced by T.
Molecular consequence: intron variant.
Genome position (GRCh38, 1-based): chr19:39,830,034, G>A on the plus strand (C>T on the coding strand, the complement: DYRK1B is on the minus strand). VCF-style: chr19-39830034-G-A. GRCh37 (hg19) VCF-style: chr19-40320674-G-A.
Other names: c.373-7C>T (NM_006483.3, NM_006484.3).
Identifiers: ClinVar variation 3053054 (VCV003053054.4), dbSNP rs368441972, ClinGen allele CA9434329.

ClinVar aggregate classification (germline): Likely benign. Review status: criteria provided, single submitter (1 of 4 stars). 2 submissions from 2 submitters: Likely benign (1). 1 of the submissions does not count toward it. Last evaluated 2025-09-10.

Conditions:
DYRK1B-related disorder. Also called: DYRK1B-related condition.

Allele frequency attached by ClinVar (database versions not stated): ExAC 0.00007; gnomAD exomes 0.00009; TOPMed 0.00012; gnomAD 0.00009; ESP Exome Variant Server 0.00023.

Submissions (2):

Labcorp Genetics (formerly Invitae), Labcorp
Classification: Likely benign. Last evaluated: 2025-09-10. Review status: criteria provided, single submitter. Criteria: Invitae Variant Classification Sherloc (09022015). Collection method: clinical testing. Allele origin: germline.

PreventionGenetics, part of Exact Sciences
Classification: Likely benign for DYRK1B-related condition. Last evaluated: 2019-08-13. Review status: no assertion criteria provided. Collection method: clinical testing. Allele origin: germline. Not counted in ClinVar's aggregate classification.
Comment: This variant is classified as likely benign based on ACMG/AMP sequence variant interpretation guidelines (Richards et al. 2015 PMID: 25741868, with internal and published modifications).